The following is an entry in ClinVar:

NM_000352.6(ABCC8):c.3673_3676del (p.Lys1225fs)

Gene: ABCC8 (ATP binding cassette subfamily C member 8; minus strand). Cytogenetic location: 11p15.1.
Variant type: Deletion.
Coding change: c.3673_3676del on transcript NM_000352.6 (MANE Select); coding-DNA positions 3673 to 3676, 4 bases deleted (AAGC; older notation c.3673_3676delAAGC).
Protein change: p.Lys1225fs; shifts the reading frame from lysine 1225.
Molecular consequence: frameshift variant. On other transcripts: non-coding transcript variant (1).
Genome position (GRCh38, 1-based): chr11:17,398,416-17,398,419, GCTT deleted on the plus strand (AAGC on the coding strand, the reverse complement: ABCC8 is on the minus strand). VCF-style (leftmost placement, unchanged base first): chr11-17398415-AGCTT-A. GRCh37 (hg19) VCF-style: chr11-17419962-AGCTT-A.
Other names: c.3676_3679del, p.Lys1226fs (NM_001287174.3); c.3739_3742del, p.Lys1247fs (NM_001351295.2); c.3673_3676del, p.Lys1225fs (NM_001351296.2); c.3670_3673del, p.Lys1224fs (NM_001351297.2); short protein forms K1224fs, K1225fs, K1226fs, K1247fs.
Identifiers: ClinVar variation 1725902 (VCV001725902.2), dbSNP rs2496475651, ClinGen allele CA2580082774.
Genomic context (GRCh38, chr11:17,398,415, plus strand): 5'-CATCTGTTGGCAGCTGTGAGGAAGAGGGAAGCAATGTTGTTGGAGTCTGTGTATTCGAGA[AGCTT>A]CTGCTGGAACCGGGCCTCATACCTGGAGGGAGGATGAGAAGCTCCTAAGGGAACAGTGTT-3'

ClinVar aggregate classification (germline): Likely pathogenic (1 of 4 stars; one submission).

Conditions:
Hyperinsulinemic hypoglycemia, familial, 1 (HHF1). Also called: Persistent hyperinsulinemic hypoglycemia of infancy; HYPERINSULINISM, FAMILIAL, WITH PANCREATIC NESIDIOBLASTOSIS; HYPOGLYCEMIA, HYPERINSULINEMIC, OF INFANCY; NESIDIOBLASTOSIS OF PANCREAS; Persistent Hyperinsulinemia Hypoglycemia of Infancy. Identifiers: Orphanet 276575, Orphanet 276598, MedGen C2931832, MONDO:0009734, OMIM 256450.

Submission:

Myriad Genetics, Inc.
Classification: Likely pathogenic for Hyperinsulinemic hypoglycemia, familial, 1. Last evaluated: 2022-04-11. Review status: criteria provided, single submitter. Criteria: Myriad Women's Health Autosomal Recessive and X-Linked Classification Criteria (2021). Collection method: clinical testing. Allele origin: unknown.
Comment: NM_000352.3(ABCC8):c.3673_3676delAAGC(K1225Ffs*39) is expected to be pathogenic in the context of familial hyperinsulinism, ABCC8-related. This variant is predicted to lead to an abnormal or absent protein product due to the creation of a premature termination codon in ABCC8, a gene where loss-of-function variants are known to be pathogenic. Please note: this variant was assessed in the context of healthy population screening.